The following is an entry in ClinVar:

ClinVar aggregate classification (germline): Pathogenic (0 of 4 stars; one submission).

Conditions:
Fanconi anemia complementation group A (FANCA). Also called: Fanconi anemia, group A; FANCA-Related Fanconi Anemia. Identifiers: Orphanet 84, MedGen C3469521, MONDO:0009215, OMIM 227650.

Submission:

Leiden Open Variation Database
Classification: Pathogenic for Fanconi anemia complementation group A. Last evaluated: 2020-02-28. Review status: no assertion criteria provided. Collection method: curation. Allele origin: germline. Affected: yes.
Comment: Curator: Arleen D. Auerbach. Submitters to LOVD: Arleen D. Auerbach, Daniela Pilonetto.

Literature cited by the submitters: PubMed 25168418.

NC_000016.10:g.(89742939_89744958)_(89816657_?)del

Gene: FANCA (FA complementation group A; minus strand). Cytogenetic location: 16q24.3.
Variant type: Deletion.
Identifiers: ClinVar variation 974181 (VCV000974181.1).